The following is an entry in ClinVar:

NM_016123.4(IRAK4):c.652-3del

Gene: IRAK4 (interleukin 1 receptor associated kinase 4; plus strand). Cytogenetic location: 12q12.
Variant type: Deletion.
Coding change: c.652-3del on transcript NM_016123.4 (MANE Select); 3 bases into the intron before coding-DNA position 652, one base deleted (C; older notation c.652-3delC).
Molecular consequence: intron variant.
Genome position (GRCh38, 1-based): chr12:43,773,962, C deleted. VCF-style (leftmost placement, unchanged base first): chr12-43773961-TC-T. GRCh37 (hg19) VCF-style: chr12-44167764-TC-T.
Other names: c.652-3delC (NM_016123.3); c.280-3del (NM_001351338.2, NM_001351341.2, NM_001351339.2 and 5 more transcripts); c.652-3del (NM_001351345.2, NM_001114182.3); c.43-3del (NM_001351343.2, NM_001351344.2).
Identifiers: ClinVar variation 658644 (VCV000658644.9), dbSNP rs768745789, ClinGen allele CA6522442.

ClinVar aggregate classification (germline): Uncertain significance (1 of 4 stars; one submission).

Conditions:
Immunodeficiency 67. Also called: Immunodeficiency due to interleukin-1 receptor-associated kinase-4 deficiency. Identifiers: Orphanet 70592, MedGen C1843256, MONDO:0011888, OMIM 607676.

Allele frequency attached by ClinVar (database versions not stated): ExAC 0.00003; TOPMed 0.00003; gnomAD exomes 0.00004 and 0.00005; gnomAD 0.00005.

Submission:

Labcorp Genetics (formerly Invitae), Labcorp
Classification: Uncertain significance for Immunodeficiency 67. Last evaluated: 2024-10-24. Review status: criteria provided, single submitter. Criteria: Invitae Variant Classification Sherloc (09022015). Collection method: clinical testing. Allele origin: germline.
Comment: This sequence change falls in intron 5 of the IRAK4 gene. It does not directly change the encoded amino acid sequence of the IRAK4 protein. It affects a nucleotide within the consensus splice site. This variant is present in population databases (rs768745789, gnomAD 0.006%). This variant has not been reported in the literature in individuals affected with IRAK4-related conditions. ClinVar contains an entry for this variant (Variation ID: 658644). Variants that disrupt the consensus splice site are a relatively common cause of aberrant splicing (PMID: 17576681, 9536098). Algorithms developed to predict the effect of sequence changes on RNA splicing suggest that this variant is not likely to affect RNA splicing. In summary, the available evidence is currently insufficient to determine the role of this variant in disease. Therefore, it has been classified as a Variant of Uncertain Significance.

Literature cited by the submitters: PubMed 17576681; PubMed 9536098.